The following is an entry in ClinVar:

NM_006158.5(NEFL):c.1612G>A (p.Ala538Thr)

Gene: NEFL (neurofilament light chain; minus strand). Cytogenetic location: 8p21.2.
Variant type: single nucleotide variant.
Coding change: c.1612G>A on transcript NM_006158.5 (MANE Select); coding-DNA position 1612, G replaced by A.
Protein change: p.Ala538Thr; replaces alanine 538 with threonine.
Molecular consequence: missense variant.
Genome position (GRCh38, 1-based): chr8:24,952,830, C>T on the plus strand (G>A on the coding strand, the complement: NEFL is on the minus strand). VCF-style: chr8-24952830-C-T. GRCh37 (hg19) VCF-style: chr8-24810343-C-T.
Other names: short protein forms A538T.
Identifiers: ClinVar variation 843501 (VCV000843501.5), dbSNP rs779888473, ClinGen allele CA4681218.

ClinVar aggregate classification (germline): Uncertain significance (1 of 4 stars; one submission).

Conditions:
Charcot-Marie-Tooth disease type 2E (CMT2E). Also called: CHARCOT-MARIE-TOOTH NEUROPATHY, TYPE 2E; CHARCOT-MARIE-TOOTH DISEASE, AXONAL, TYPE 2E. Identifiers: Orphanet 99939, MedGen C1843225, MONDO:0011894, OMIM 607684.

Allele frequency attached by ClinVar (database versions not stated): gnomAD exomes below 0.00001; ExAC 0.00001; gnomAD 0.00001; TOPMed 0.00001.

Submission:

Labcorp Genetics (formerly Invitae), Labcorp
Classification: Uncertain significance for Charcot-Marie-Tooth disease type 2E. Last evaluated: 2023-08-04. Review status: criteria provided, single submitter. Criteria: Invitae Variant Classification Sherloc (09022015). Collection method: clinical testing. Allele origin: germline.
Comment: In summary, the available evidence is currently insufficient to determine the role of this variant in disease. Therefore, it has been classified as a Variant of Uncertain Significance. Advanced modeling of protein sequence and biophysical properties (such as structural, functional, and spatial information, amino acid conservation, physicochemical variation, residue mobility, and thermodynamic stability) has been performed at Invitae for this missense variant, however the output from this modeling did not meet the statistical confidence thresholds required to predict the impact of this variant on NEFL protein function. ClinVar contains an entry for this variant (Variation ID: 843501). This variant has not been reported in the literature in individuals affected with NEFL-related conditions. This variant is present in population databases (rs779888473, gnomAD 0.006%). This sequence change replaces alanine, which is neutral and non-polar, with threonine, which is neutral and polar, at codon 538 of the NEFL protein (p.Ala538Thr).